The following is an entry in ClinVar:

NM_006506.5(RASA2):c.1114G>A (p.Asp372Asn)

Gene: RASA2 (RAS p21 protein activator 2; plus strand). Cytogenetic location: 3q23.
Variant type: single nucleotide variant.
Coding change: c.1114G>A on transcript NM_006506.5 (MANE Select); coding-DNA position 1114, G replaced by A.
Protein change: p.Asp372Asn; replaces aspartic acid 372 with asparagine.
Molecular consequence: missense variant.
Genome position (GRCh38, 1-based): chr3:141,571,499, G>A. VCF-style: chr3-141571499-G-A. GRCh37 (hg19) VCF-style: chr3-141290341-G-A.
Other names: c.1114G>A, p.Asp372Asn (NM_001303245.3, NM_001303246.3); short protein forms D372N.
Identifiers: ClinVar variation 2121410 (VCV002121410.4), dbSNP rs2478713783, ClinGen allele CA354776164.

ClinVar aggregate classification (germline): Uncertain significance (1 of 4 stars; one submission).

Allele frequency attached by ClinVar (database versions not stated): gnomAD exomes below 0.00001.
gnomAD v4.1: 1 of 1,612,964 alleles (0.000062%); highest among the groups gnomAD compares: Non-Finnish European, 0.000085%; no homozygotes.

Submission:

Labcorp Genetics (formerly Invitae), Labcorp
Classification: Uncertain significance. Last evaluated: 2025-08-04. Review status: criteria provided, single submitter. Criteria: Invitae Variant Classification Sherloc (09022015). Collection method: clinical testing. Allele origin: germline.
Comment: This sequence change replaces aspartic acid, which is acidic and polar, with asparagine, which is neutral and polar, at codon 372 of the RASA2 protein (p.Asp372Asn). This variant is not present in population databases (gnomAD no frequency). This variant has not been reported in the literature in individuals affected with RASA2-related conditions. ClinVar contains an entry for this variant (Variation ID: 2121410). Invitae Evidence Modeling of protein sequence and biophysical properties (such as structural, functional, and spatial information, amino acid conservation, physicochemical variation, residue mobility, and thermodynamic stability) indicates that this missense variant is not expected to disrupt RASA2 protein function with a negative predictive value of 80%. In summary, the available evidence is currently insufficient to determine the role of this variant in disease. Therefore, it has been classified as a Variant of Uncertain Significance.